The following is an entry in ClinVar:

NM_001042492.3(NF1):c.1211del (p.Ser404fs)

Gene: NF1 (neurofibromin 1; plus strand). Cytogenetic location: 17q11.2.
Variant type: Deletion.
Coding change: c.1211del on transcript NM_001042492.3 (MANE Select); coding-DNA position 1211, one base deleted (C; older notation c.1211delC).
Protein change: p.Ser404fs; shifts the reading frame from serine 404.
Molecular consequence: frameshift variant.
Genome position (GRCh38, 1-based): chr17:31,201,436, C deleted. VCF-style (leftmost placement, unchanged base first): chr17-31201435-TC-T. GRCh37 (hg19) VCF-style: chr17-29528453-TC-T.
Other names: c.1211del, p.Ser404fs (NM_001128147.3); c.1211delC, p.Ser404Leufs (NM_000267.4); short protein forms S404fs.
Identifiers: ClinVar variation 2844707 (VCV002844707.3), dbSNP rs2544799772, ClinGen allele CA2739267338.

ClinVar aggregate classification (germline): Pathogenic (1 of 4 stars; one submission).

Conditions:
Neurofibromatosis, type 1 (NF1). Also called: Neurofibromatosis, type I; VON RECKLINGHAUSEN DISEASE; NEUROFIBROMATOSIS, TYPE I, SOMATIC; Peripheral type neurofibromatosis. Identifiers: Orphanet 636, MedGen C0027831, MONDO:0018975, OMIM 162200. Disease mechanism: loss of function.

Submission:

Labcorp Genetics (formerly Invitae), Labcorp
Classification: Pathogenic for Neurofibromatosis, type 1. Last evaluated: 2023-03-10. Review status: criteria provided, single submitter. Criteria: Invitae Variant Classification Sherloc (09022015). Collection method: clinical testing. Allele origin: germline.
Comment: This variant has not been reported in the literature in individuals affected with NF1-related conditions. This sequence change creates a premature translational stop signal (p.Ser404Leufs*8) in the NF1 gene. It is expected to result in an absent or disrupted protein product. Loss-of-function variants in NF1 are known to be pathogenic (PMID: 10712197, 23913538). This variant is not present in population databases (gnomAD no frequency). For these reasons, this variant has been classified as Pathogenic.

Literature cited by the submitters: PubMed 10712197; PubMed 23913538.